The following is an entry in ClinVar:

ClinVar aggregate classification (germline): Likely benign. Review status: criteria provided, multiple submitters, no conflicts (2 of 4 stars). 2 submissions from 2 submitters: Likely benign (2). Last evaluated 2026-06-01.

Allele frequency attached by ClinVar (database versions not stated): gnomAD exomes 0.00001; ExAC 0.00002; TOPMed 0.00003; gnomAD 0.00006 and 0.00007; 1000 Genomes Project 0.00040; 1000 Genomes Project 30x 0.00047.
gnomAD v4.1: 17 of 1,614,188 alleles (0.0011%); highest among the groups gnomAD compares: African/African-American, 0.011%; no homozygotes.

Submissions (2):

CeGaT Center for Human Genetics Tuebingen
Classification: Likely benign. Last evaluated: 2026-06-01. Review status: criteria provided, single submitter. Criteria: CeGaT Center For Human Genetics Tuebingen Variant Classification Criteria Version 2. Collection method: clinical testing. Allele origin: germline. Affected: yes. Observed: 1 variant allele.
Comment: STT3A: BP4, BP7

Labcorp Genetics (formerly Invitae), Labcorp
Classification: Likely benign. Last evaluated: 2023-07-03. Review status: criteria provided, single submitter. Criteria: Invitae Variant Classification Sherloc (09022015). Collection method: clinical testing. Allele origin: germline.

NM_152713.5(STT3A):c.1266C>G (p.Val422=)

Gene: STT3A (STT3 oligosaccharyltransferase complex catalytic subunit A; plus strand). Cytogenetic location: 11q24.2.
Variant type: single nucleotide variant.
Coding change: c.1266C>G on transcript NM_152713.5 (MANE Select); coding-DNA position 1266, C replaced by G.
Protein change: p.Val422=; no amino-acid change (valine 422 retained).
Molecular consequence: synonymous variant.
Genome position (GRCh38, 1-based): chr11:125,612,648, C>G. VCF-style: chr11-125612648-C-G. GRCh37 (hg19) VCF-style: chr11-125482543-C-G.
Other names: c.1266C>G, p.Val422= (NM_001278503.2); c.990C>G, p.Val330= (NM_001278504.2).
Identifiers: ClinVar variation 705395 (VCV000705395.13), dbSNP rs149389505, ClinGen allele CA6349037.